The following is an entry in ClinVar:

ClinVar aggregate classification (germline): Pathogenic (1 of 4 stars; one submission).

Conditions:
Adams-Oliver syndrome 2 (AOS2). Identifiers: Orphanet 974, MedGen C3280182, MONDO:0013635, OMIM 614219.

Allele frequency attached by ClinVar (database versions not stated): TOPMed 0.00001; ESP Exome Variant Server 0.00024.

Submission:

Genetics Laboratory, UDIAT-Centre Diagnòstic, Hospital Universitari Parc Tauli
Classification: Pathogenic for Adams-Oliver syndrome 2. Last evaluated: 2022-10-04. Review status: criteria provided, single submitter. Criteria: Parc Tauli Hospital Assertion Criteria 2021. Collection method: clinical testing. Allele origin: inherited. Inheritance: Autosomal dominant inheritance. Affected: yes.
Comment: PVS1;PM2_supporting;PM3_supporting

NM_020812.4(DOCK6):c.5616dup (p.Lys1873Ter)

Gene: DOCK6 (dedicator of cytokinesis 6; minus strand). Cytogenetic location: 19p13.2.
Variant type: Duplication.
Coding change: c.5616dup on transcript NM_020812.4 (MANE Select); coding-DNA position 5616, one base duplicated (T; older notation c.5616dupT).
Protein change: p.Lys1873Ter; replaces lysine 1873 with a stop codon.
Molecular consequence: nonsense.
Genome position (GRCh38, 1-based): chr19:11,201,961, A duplicated on the plus strand (T on the coding strand, the reverse complement: DOCK6 is on the minus strand). VCF-style (leftmost placement, unchanged base first): chr19-11201960-T-TA. GRCh37 (hg19) VCF-style: chr19-11312636-T-TA.
Other names: c.5721dup, p.Lys1908Ter (NM_001367830.1); short protein forms K1873*, K1908*.
Identifiers: ClinVar variation 1708249 (VCV001708249.2), dbSNP rs1169086609, ClinGen allele CA404073806.
Genomic context (GRCh38, chr19:11,201,960, plus strand): 5'-GGCACACACGGATGCGAGTCTTGATGTAGGGGAAGGCGTGGTCGGTGCTGAGCAGCGTCT[T>TA]ACGCTTGTGTTGCTCGGGCAGCTCCCCGTGTGCGCGCCCATCCGGCGTGAACGGCGTGCA-3'